The following is an entry in ClinVar:

NM_177438.3(DICER1):c.3764G>C (p.Ser1255Thr)

Gene: DICER1 (dicer 1, ribonuclease III; minus strand). Cytogenetic location: 14q32.13.
Variant type: single nucleotide variant.
Coding change: c.3764G>C on transcript NM_177438.3 (MANE Select); coding-DNA position 3764, G replaced by C.
Protein change: p.Ser1255Thr; replaces serine 1255 with threonine.
Molecular consequence: missense variant.
Genome position (GRCh38, 1-based): chr14:95,103,632, C>G on the plus strand (G>C on the coding strand, the complement: DICER1 is on the minus strand). VCF-style: chr14-95103632-C-G. GRCh37 (hg19) VCF-style: chr14-95569969-C-G.
Other names: c.3764G>C, p.Ser1255Thr (NM_001195573.1, NM_001271282.3, NM_001291628.2 and 1 more transcripts); short protein forms S1255T.
Identifiers: ClinVar variation 1488516 (VCV001488516.9), dbSNP rs199526737, ClinGen allele CA7330995.
Genomic context (GRCh38, chr14:95,103,632, plus strand): 5'-ATCCTGCCCTTGAGCACTTGAATAGTGTCTGTCGTACCAGGCATTACGGCCATCACAGGA[C>G]TTCCATCTGAGGTAGATTTGTTAGCATTTCCATCAAGGTATTTATTACTCAGGAGAGTAC-3'
Protein context (NP_803187.1, residues 1245-1265): GNANKSTSDG[Ser1255Thr]PVMAVMPGTT

ClinVar aggregate classification (germline): Uncertain significance (1 of 4 stars; one submission).

Conditions:
DICER1-related tumor predisposition. Also called: DICER1-related pleuropulmonary blastoma cancer predisposition syndrome; DICER1 syndrome. Identifiers: Orphanet 284343, MedGen C3839822, MONDO:0100216.

Allele frequency attached by ClinVar (database versions not stated): ExAC 0.00001; 1000 Genomes Project 30x 0.00016.

Submission:

Labcorp Genetics (formerly Invitae), Labcorp
Classification: Uncertain significance for DICER1-related tumor predisposition. Last evaluated: 2025-10-03. Review status: criteria provided, single submitter. Criteria: Invitae Variant Classification Sherloc (09022015). Collection method: clinical testing. Allele origin: germline.
Comment: This sequence change replaces serine, which is neutral and polar, with threonine, which is neutral and polar, at codon 1255 of the DICER1 protein (p.Ser1255Thr). This variant is not present in population databases (gnomAD no frequency). This variant has not been reported in the literature in individuals affected with DICER1-related conditions. ClinVar contains an entry for this variant (Variation ID: 1488516). Invitae Evidence Modeling of protein sequence and biophysical properties (such as structural, functional, and spatial information, amino acid conservation, physicochemical variation, residue mobility, and thermodynamic stability) indicates that this missense variant is not expected to disrupt DICER1 protein function with a negative predictive value of 95%. In summary, the available evidence is currently insufficient to determine the role of this variant in disease. Therefore, it has been classified as a Variant of Uncertain Significance.